The following is an entry in ClinVar:

NM_003060.4(SLC22A5):c.428C>T (p.Pro143Leu)

Gene: SLC22A5 (solute carrier family 22 member 5; plus strand). Cytogenetic location: 5q31.1.
Variant type: single nucleotide variant.
Coding change: c.428C>T on transcript NM_003060.4 (MANE Select); coding-DNA position 428, C replaced by T.
Protein change: p.Pro143Leu; replaces proline 143 with leucine.
Molecular consequence: missense variant.
Genome position (GRCh38, 1-based): chr5:132,378,412, C>T. VCF-style: chr5-132378412-C-T. GRCh37 (hg19) VCF-style: chr5-131714104-C-T.
Other names: p.Pro143Leu; c.500C>T, p.Pro167Leu (NM_001308122.2); short protein forms P143L, P167L.
Identifiers: ClinVar variation 440273 (VCV000440273.34), dbSNP rs1178584184, ClinGen allele CA360803554.
Genomic context (GRCh38, chr5:132,378,412, plus strand): 5'-ATACACCCCCTTTGCTCATCTTGCAGTGGAACCTGGTGTGTGAGGACGACTGGAAGGCCC[C>T]ACTCACAATCTCCTTGTTCTTCGTGGGTGTGCTGTTGGGCTCCTTCATTTCAGGGCAGCT-3'
Protein context (NP_003051.1, residues 133-153): NLVCEDDWKA[Pro143Leu]LTISLFFVGV

ClinVar aggregate classification (germline): Pathogenic/Likely pathogenic. Review status: criteria provided, multiple submitters, no conflicts (2 of 4 stars). 10 submissions from 10 submitters: Pathogenic (6); Likely pathogenic (2). 2 of the submissions do not count toward it. Last evaluated 2025-03-10.

Conditions:
Carnitine deficiency. Identifiers: MedGen C1142132.
Renal carnitine transport defect (CDSP). Also called: Systemic primary carnitine deficiency; CARNITINE DEFICIENCY, SYSTEMIC, DUE TO DEFECT IN RENAL REABSORPTION OF CARNITINE; CARNITINE TRANSPORTER, PLASMA-MEMBRANE, DEFICIENCY OF; CARNITINE UPTAKE DEFECT; Primary carnitine deficiency; Carnitine transporter deficiency. Identifiers: Orphanet 158, MedGen C0342788, MONDO:0008919, OMIM 212140.

Allele frequency attached by ClinVar (database versions not stated): gnomAD exomes below 0.00001 and 0.00001; TOPMed below 0.00001; gnomAD 0.00001.
gnomAD v4.1: 4 of 1,614,126 alleles (0.00025%); highest among the groups gnomAD compares: East Asian, 0.0067%; no homozygotes.

Submissions (10):

Natera, Inc.
Classification: Pathogenic for Carnitine deficiency. Last evaluated: 2025-03-10. Review status: criteria provided, single submitter. Criteria: Natera Variant Classification Schema (03/2026). Collection method: clinical testing. Allele origin: germline.
Comment: The c.428C>T variant in SLC22A5 is a missense variant predicted to cause substitution of proline to leucine at amino acid 143. This variant is rare in the general population with a frequency below the threshold expected for the associated phenotype(s). This variant has been observed in one or more individuals affected with the associated recessive disease, as either homozygous or compound heterozygous with a second variant (PMID: 33560599, 34249102). Computational prediction algorithms indicate this variant is likely to affect gene or protein function. Given the available evidence, this variant is classified as Pathogenic.

GeneDx
Classification: Pathogenic. Last evaluated: 2024-07-09. Review status: criteria provided, single submitter. Criteria: GeneDx Variant Classification Process June 2021. Collection method: clinical testing. Allele origin: germline. Affected: yes.
Comment: Published functional studies are conflicting as to whether this variant significantly impairs carnitine transport (PMID: 36343260, 28841266); In silico analysis supports that this missense variant has a deleterious effect on protein structure/function; Not observed at significant frequency in large population cohorts (gnomAD); This variant is associated with the following publications: (PMID: 29731766, 23520115, 30863740, 20074989, 33560599, 20574985, 31364285, 32371215, 35314707, 36568374, 28753539, 34704412, 31737040, 34863234, 36787440, 35095998, 38187300, 28841266, 35193651, 36343260, 34249102)

Fulgent Genetics
Classification: Pathogenic for Renal carnitine transport defect. Last evaluated: 2024-05-29. Review status: criteria provided, single submitter. Criteria: ACMG Guidelines, 2015. Collection method: clinical testing. Allele origin: germline.

Labcorp Genetics (formerly Invitae), Labcorp
Classification: Pathogenic for Renal carnitine transport defect. Last evaluated: 2024-02-14. Review status: criteria provided, single submitter. Criteria: Invitae Variant Classification Sherloc (09022015). Collection method: clinical testing. Allele origin: germline.
Comment: This sequence change replaces proline, which is neutral and non-polar, with leucine, which is neutral and non-polar, at codon 143 of the SLC22A5 protein (p.Pro143Leu). This variant is present in population databases (no rsID available, gnomAD 0.01%). This missense change has been observed in individual(s) with primary carnitine deficiency (PMID: 20074989, 28753539, 30863740). In at least one individual the data is consistent with being in trans (on the opposite chromosome) from a pathogenic variant. ClinVar contains an entry for this variant (Variation ID: 440273). Advanced modeling of protein sequence and biophysical properties (such as structural, functional, and spatial information, amino acid conservation, physicochemical variation, residue mobility, and thermodynamic stability) performed at Invitae indicates that this missense variant is expected to disrupt SLC22A5 protein function with a positive predictive value of 95%. Experimental studies have shown that this missense change affects SLC22A5 function (PMID: 28841266). For these reasons, this variant has been classified as Pathogenic.

Women's Health and Genetics/Laboratory Corporation of America, LabCorp
Classification: Pathogenic for Renal carnitine transport defect. Last evaluated: 2022-11-04. Review status: criteria provided, single submitter. Criteria: LabCorp Variant Classification Summary - May 2015. Collection method: clinical testing. Allele origin: germline.
Comment: Variant summary: SLC22A5 c.428C>T (p.Pro143Leu) results in a non-conservative amino acid change located in the Major facilitator superfamily domain (IPR020846) of the encoded protein sequence. Five of five in-silico tools predict a damaging effect of the variant on protein function. The variant allele was found at a frequency of 8e-06 in 251496 control chromosomes (gnomAD). c.428C>T has been reported in the literature in multiple compound heterozygous and homozygous individuals affected with Primary Carnitine Deficiency, identified through newborn screening (e.g. Lee_2010, Sun_2017, Li_2022). Experimental evidence evaluating an impact on protein function demonstrated the variant significantly impairs carnitine transport activity (<10% of wild-type) (Frigeni_2017). These data indicate that the variant is very likely to be associated with disease. Six clinical diagnostic laboratories have submitted clinical-significance assessments for this variant to ClinVar after 2014 and four classified it as likely pathogenic, one as pathogenic, and one as uncertain significance. Based on the evidence outlined above, the variant was classified as pathogenic.

Genome-Nilou Lab
Classification: Likely pathogenic for Renal carnitine transport defect. Last evaluated: 2021-07-15. Review status: criteria provided, single submitter. Criteria: ACMG Guidelines, 2015. Collection method: clinical testing. Allele origin: germline. Affected: no.

ARUP Laboratories, Molecular Genetics and Genomics, ARUP Laboratories
Classification: Likely pathogenic. Last evaluated: 2017-04-13. Review status: criteria provided, single submitter. Criteria: ARUP Molecular Germline Variant Investigation Process. Collection method: clinical testing. Allele origin: germline.

Juno Genomics, Hangzhou Juno Genomics, Inc
Classification: Pathogenic for Renal carnitine transport defect. Review status: criteria provided, single submitter. Criteria: ACMG Guidelines, 2015. Collection method: clinical testing. Allele origin: germline.
Comment: Absent from controls (or at extremely low frequency if recessive) in Genome Aggregation Database.;For recessive disorders, detected in trans with a pathogenic variant.;Patient's phenotype or family history is highly specific for a disease with a single genetic etiology.;Well-established in vitro or in vivo functional studies supportive of a damaging effect on the gene or gene product.

Counsyl
Classification: Likely pathogenic for Renal carnitine transport defect. Last evaluated: 2018-03-09. Review status: no assertion criteria provided. Collection method: clinical testing. Allele origin: unknown. Not counted in ClinVar's aggregate classification.

Giacomini Lab, University of California, San Francisco
Classification: Uncertain significance for Renal carnitine transport defect. Last evaluated: 2022-10-03. Review status: flagged submission. Criteria: ACMG Guidelines, 2015. Collection method: research, in vitro. Allele origin: germline, not applicable. Not counted in ClinVar's aggregate classification.
ClinVar note: Reason: Outlier claim with insufficient supporting evidence

Literature cited by the submitters: PubMed 33560599 (cited by Natera, Inc.); PubMed 34249102 (cited by Natera, Inc.); PubMed 20074989 (cited by 3 submitters); PubMed 28753539 (cited by 3 submitters); PubMed 30863740 (cited by Labcorp Genetics (formerly Invitae), Labcorp); PubMed 28841266 (cited by 3 submitters); PubMed 35095998 (cited by Women's Health and Genetics/Laboratory Corporation of America, LabCorp); PubMed 20574985 (cited by Counsyl); PubMed 23520115 (cited by Counsyl).